The following is an entry in ClinVar:

NM_014845.6(FIG4):c.872G>A (p.Cys291Tyr)

Gene: FIG4 (FIG4 phosphoinositide 5-phosphatase; plus strand). Cytogenetic location: 6q21.
Variant type: single nucleotide variant.
Coding change: c.872G>A on transcript NM_014845.6 (MANE Select); coding-DNA position 872, G replaced by A.
Protein change: p.Cys291Tyr; replaces cysteine 291 with tyrosine.
Molecular consequence: missense variant.
Genome position (GRCh38, 1-based): chr6:109,741,540, G>A. VCF-style: chr6-109741540-G-A. GRCh37 (hg19) VCF-style: chr6-110062743-G-A.
Other names: short protein forms C291Y.
Identifiers: ClinVar variation 653695 (VCV000653695.12), dbSNP rs766829595, ClinGen allele CA3955920.

ClinVar aggregate classification (germline): Uncertain significance. Review status: criteria provided, multiple submitters, no conflicts (2 of 4 stars). 2 submissions from 2 submitters: Uncertain significance (2). Last evaluated 2019-09-27.

Conditions:
Inborn genetic diseases. Identifiers: MedGen C0950123, MeSH D030342.
Charcot-Marie-Tooth disease type 4. Also called: Charcot-Marie-Tooth disease, type IV; Charcot-Marie-Tooth, Type 4. Identifiers: Orphanet 64749, MedGen C4082197, MONDO:0018995.

Allele frequency attached by ClinVar (database versions not stated): gnomAD exomes 0.00001; ExAC 0.00002; TOPMed 0.00002; gnomAD 0.00003.
gnomAD v4.1: 8 of 1,594,614 alleles (0.0005%); highest among the groups gnomAD compares: African/African-American, 0.0067%; no homozygotes.

Submissions (2):

Ambry Genetics
Classification: Uncertain significance for Inborn genetic diseases. Last evaluated: 2019-09-27. Review status: criteria provided, single submitter. Criteria: Ambry Variant Classification Scheme 2023. Collection method: clinical testing. Allele origin: germline.
Comment: The p.C291Y variant (also known as c.872G>A), located in coding exon 8 of the FIG4 gene, results from a G to A substitution at nucleotide position 872. The cysteine at codon 291 is replaced by tyrosine, an amino acid with highly dissimilar properties. This amino acid position is well conserved in available vertebrate species. In addition, this alteration is predicted to be tolerated by in silico analysis. Since supporting evidence is limited at this time, the clinical significance of this alteration remains unclear.

Labcorp Genetics (formerly Invitae), Labcorp
Classification: Uncertain significance for Charcot-Marie-Tooth disease type 4. Last evaluated: 2019-07-24. Review status: criteria provided, single submitter. Criteria: Invitae Variant Classification Sherloc (09022015). Collection method: clinical testing. Allele origin: germline.
Comment: This sequence change replaces cysteine with tyrosine at codon 291 of the FIG4 protein (p.Cys291Tyr). The cysteine residue is weakly conserved and there is a large physicochemical difference between cysteine and tyrosine. This variant is present in population databases (rs766829595, ExAC 0.02%). This variant has not been reported in the literature in individuals with FIG4-related disease. Algorithms developed to predict the effect of missense changes on protein structure and function (SIFT, PolyPhen-2, Align-GVGD) all suggest that this variant is likely to be tolerated, but these predictions have not been confirmed by published functional studies and their clinical significance is uncertain. In summary, the available evidence is currently insufficient to determine the role of this variant in disease. Therefore, it has been classified as a Variant of Uncertain Significance.